The following is an entry in ClinVar:

NM_000388.4(CASR):c.108G>T (p.Gly36=)

Gene: CASR (calcium sensing receptor; plus strand). Cytogenetic location: 3q21.1.
Variant type: single nucleotide variant.
Coding change: c.108G>T on transcript NM_000388.4 (MANE Select); coding-DNA position 108, G replaced by T.
Protein change: p.Gly36=; no amino-acid change (glycine 36 retained).
Molecular consequence: synonymous variant.
Genome position (GRCh38, 1-based): chr3:122,254,297, G>T. VCF-style: chr3-122254297-G-T. GRCh37 (hg19) VCF-style: chr3-121973144-G-T.
Other names: c.108G>T, p.Gly36= (NM_001178065.2).
Identifiers: ClinVar variation 3896111 (VCV003896111.1).

ClinVar aggregate classification (germline): Likely benign (1 of 4 stars; one submission).

gnomAD v4.1: 1 of 1,614,132 alleles (0.000062%); highest among the groups gnomAD compares: South Asian, 0.0011%; no homozygotes.

Submission:

Women's Health and Genetics/Laboratory Corporation of America, LabCorp
Classification: Likely benign. Last evaluated: 2025-03-18. Review status: criteria provided, single submitter. Criteria: LabCorp Variant Classification Summary - May 2015. Collection method: clinical testing. Allele origin: germline.
Comment: Variant summary: CASR c.108G>T alters a non-conserved nucleotide resulting in a synonymous change. Consensus agreement among computation tools predict no significant impact on normal splicing. However, these predictions have yet to be confirmed by functional studies. The variant allele was found at a frequency of 6.2e-07 in 1607164 control chromosomes (gnomAD). The available data on variant occurrences in the general population are insufficient to allow any conclusion about variant significance. To our knowledge, no occurrence of c.108G>T in individuals affected with Autosomal Dominant Hypocalcemia and no experimental evidence demonstrating its impact on protein function have been reported. No submitters have cited clinical-significance assessments for this variant to ClinVar. Based on the evidence outlined above, the variant was classified as likely benign.